The following is an entry in ClinVar:

ClinVar aggregate classification (germline): Likely pathogenic (1 of 4 stars; one submission).

gnomAD v4.1: 1 of 1,614,154 alleles (0.000062%); highest among the groups gnomAD compares: South Asian, 0.0011%; no homozygotes.

Submission:

Labcorp Genetics (formerly Invitae), Labcorp
Classification: Likely pathogenic. Last evaluated: 2026-01-11. Review status: criteria provided, single submitter. Criteria: Invitae Variant Classification Sherloc (09022015). Collection method: clinical testing. Allele origin: germline.
Comment: This sequence change affects an acceptor splice site in intron 9 of the ERCC5 gene. It is expected to disrupt RNA splicing. Variants that disrupt the donor or acceptor splice site typically lead to a loss of protein function (PMID: 16199547), and loss-of-function variants in ERCC5 are known to be pathogenic (PMID: 23370536, 24700531, 30919937). This variant is present in population databases (no rsID available, gnomAD 0.003%). This variant has not been reported in the literature in individuals affected with ERCC5-related conditions. Algorithms developed to predict the effect of sequence changes on RNA splicing suggest that this variant may disrupt the consensus splice site. In summary, the currently available evidence indicates that the variant is pathogenic, but additional data are needed to prove that conclusively. Therefore, this variant has been classified as Likely Pathogenic.

Literature cited by the submitters: PubMed 16199547; PubMed 23370536; PubMed 24700531; PubMed 30919937.

NM_000123.4(ERCC5):c.2200-2A>T

Genes: BIVM-ERCC5 (BIVM-ERCC5 readthrough; plus strand), ERCC5 (ERCC excision repair 5, endonuclease; plus strand), LOC126861834 (BRD4-independent group 4 enhancer GRCh37_chr13:103518038-103519237; plus strand). Cytogenetic location: 13q33.1.
Variant type: single nucleotide variant.
Coding change: c.2200-2A>T on transcript NM_000123.4 (MANE Select); the canonical splice acceptor site of the intron before coding-DNA position 2200, A replaced by T.
Molecular consequence: splice acceptor variant.
Genome position (GRCh38, 1-based): chr13:102,866,260, A>T. VCF-style: chr13-102866260-A-T. GRCh37 (hg19) VCF-style: chr13-103518610-A-T.
Other names: c.3562-2A>T (NM_001204425.2).
Identifiers: ClinVar variation 4797011 (VCV004797011.1).